The following is an entry in ClinVar:

NM_182961.4(SYNE1):c.23716T>G (p.Ser7906Ala)

Gene: SYNE1 (spectrin repeat containing nuclear envelope protein 1; minus strand). Cytogenetic location: 6q25.2.
Variant type: single nucleotide variant.
Coding change: c.23716T>G on transcript NM_182961.4 (MANE Select); coding-DNA position 23716, T replaced by G.
Protein change: p.Ser7906Ala; replaces serine 7906 with alanine.
Molecular consequence: missense variant.
Genome position (GRCh38, 1-based): chr6:152,164,237, A>C on the plus strand (T>G on the coding strand, the complement: SYNE1 is on the minus strand). VCF-style: chr6-152164237-A-C. GRCh37 (hg19) VCF-style: chr6-152485372-A-C.
Other names: c.322T>G, p.Ser108Ala (NM_001347701.2); c.181T>G, p.Ser61Ala (NM_001347702.2); c.23503T>G, p.Ser7835Ala (NM_033071.5); short protein forms S61A, S7906A, S108A, S7835A.
Identifiers: ClinVar variation 860376 (VCV000860376.11), dbSNP rs2063146847, ClinGen allele CA366088786.

ClinVar aggregate classification (germline): Uncertain significance (1 of 4 stars; one submission).

Conditions:
Emery-Dreifuss muscular dystrophy 4, autosomal dominant (EDMD4). Also called: EMERY-DREIFUSS MUSCULAR DYSTROPHY 4 WITH VARIABLE FEATURES. Identifiers: Orphanet 261, MedGen C2751807, MONDO:0013071, OMIM 612998.
Autosomal recessive ataxia, Beauce type. Also called: ATAXIA, RECESSIVE, OF BEAUCE; SYNE1 Deficiency; Spinocerebellar ataxia, autosomal recessive 8; SYNE1-Related Autosomal Recessive Cerebellar Ataxia. Identifiers: Orphanet 88644, MedGen C1853116, MONDO:0012549, OMIM 610743.

Allele frequency attached by ClinVar (database versions not stated): gnomAD exomes below 0.00001.
gnomAD v4.1: 2 of 1,613,908 alleles (0.00012%); highest among the groups gnomAD compares: South Asian, 0.0011%; no homozygotes.

Submission:

Labcorp Genetics (formerly Invitae), Labcorp
Classification: Uncertain significance for Emery-Dreifuss muscular dystrophy 4, autosomal dominant; Autosomal recessive ataxia, Beauce type. Last evaluated: 2022-11-15. Review status: criteria provided, single submitter. Criteria: Invitae Variant Classification Sherloc (09022015). Collection method: clinical testing. Allele origin: germline.
Comment: In summary, the available evidence is currently insufficient to determine the role of this variant in disease. Therefore, it has been classified as a Variant of Uncertain Significance. Algorithms developed to predict the effect of missense changes on protein structure and function output the following: SIFT: "Deleterious"; PolyPhen-2: "Benign"; Align-GVGD: "Class C0". The alanine amino acid residue is found in multiple mammalian species, which suggests that this missense change does not adversely affect protein function. ClinVar contains an entry for this variant (Variation ID: 860376). This variant has not been reported in the literature in individuals affected with SYNE1-related conditions. This variant is not present in population databases (gnomAD no frequency). This sequence change replaces serine, which is neutral and polar, with alanine, which is neutral and non-polar, at codon 7835 of the SYNE1 protein (p.Ser7835Ala).